The following is an entry in ClinVar:

NM_194248.3(OTOF):c.5082dup (p.Asp1695fs)

Genes: OTOF (otoferlin; minus strand), LOC112840921 (BRD4-independent group 4 enhancer GRCh37_chr2:26685720-26686919; plus strand). Cytogenetic location: 2p23.3.
Variant type: Duplication.
Coding change: c.5082dup on transcript NM_194248.3 (MANE Select); coding-DNA position 5082, one base duplicated (C; older notation c.5082dupC).
Protein change: p.Asp1695fs; shifts the reading frame from aspartic acid 1695.
Molecular consequence: frameshift variant.
Genome position (GRCh38, 1-based): chr2:26,463,985, G duplicated on the plus strand (C on the coding strand, the reverse complement: OTOF is on the minus strand); the first of 4 consecutive G bases (chr2:26,463,985-26,463,988); duplicating any one gives the same sequence. VCF-style (leftmost placement, unchanged base first): chr2-26463984-C-CG. GRCh37 (hg19) VCF-style: chr2-26686852-C-CG.
Other names: c.5082dup, p.Asp1695fs (NM_001287489.2); c.2781dup, p.Asp928fs (NM_004802.4, NM_194323.3); c.3012dup, p.Asp1005fs (NM_194322.3); short protein forms D1005fs, D1695fs, D928fs.
Identifiers: ClinVar variation 3601550 (VCV003601550.6).

ClinVar aggregate classification (germline): Pathogenic/Likely pathogenic. Review status: criteria provided, multiple submitters, no conflicts (2 of 4 stars). 4 submissions from 4 submitters: Pathogenic (1); Likely pathogenic (2). 1 of the submissions does not count toward it. Last evaluated 2025-01-09.

Conditions:
Autosomal recessive nonsyndromic hearing loss 9. Also called: OTOF-Related Hearing Loss; Deafness, autosomal recessive 9; NEUROSENSORY NONSYNDROMIC RECESSIVE DEAFNESS 9; AUDITORY NEUROPATHY, AUTOSOMAL RECESSIVE, 1, TEMPERATURE-SENSITIVE. Identifiers: Orphanet 90636, MedGen C1832828, MONDO:0010986, OMIM 601071.

Submissions (4):

Institute of Rare Diseases, West China Hospital, Sichuan University
Classification: Likely pathogenic for Autosomal recessive nonsyndromic hearing loss 9. Last evaluated: 2025-01-09. Review status: criteria provided, single submitter. Criteria: ClinGen HL ACMG Specifications v1. Collection method: research. Allele origin: germline. Affected: yes.
Comment: PVS1;PM2_Supporting

Labcorp Genetics (formerly Invitae), Labcorp
Classification: Pathogenic. Last evaluated: 2024-04-16. Review status: criteria provided, single submitter. Criteria: Invitae Variant Classification Sherloc (09022015). Collection method: clinical testing. Allele origin: germline.
Comment: This sequence change creates a premature translational stop signal (p.Asp1695Argfs*49) in the OTOF gene. It is expected to result in an absent or disrupted protein product. Loss-of-function variants in OTOF are known to be pathogenic (PMID: 18381613, 19250381, 22575033). This variant is not present in population databases (gnomAD no frequency). This variant has not been reported in the literature in individuals affected with OTOF-related conditions. For these reasons, this variant has been classified as Pathogenic.

Juno Genomics, Hangzhou Juno Genomics, Inc
Classification: Likely pathogenic for Autosomal recessive nonsyndromic hearing loss 9. Review status: criteria provided, single submitter. Criteria: ACMG Guidelines, 2015. Collection method: clinical testing. Allele origin: germline.
Comment: Null variant in a gene where loss of function (LOF) is a known mechanism of disease.;Absent from controls (or at extremely low frequency if recessive) in Genome Aggregation Database.

Diagnosis and Treatment Center of Genetic Hearing Loss, Eye & ENT Hospital of Fudan University
Classification: Likely pathogenic for Autosomal recessive nonsyndromic hearing loss 9. Last evaluated: 2026-02-04. Review status: no assertion criteria provided. Collection method: clinical testing. Allele origin: germline. Inheritance: Autosomal recessive inheritance. Affected: yes. Not counted in ClinVar's aggregate classification.
Comment: The c.5082dupC frameshift variant in OTOF leads to a premature stop codon and predicted NMD (PVS1). It is absent from population databases (PM2_Supporting).

Literature cited by the submitters: PubMed 18381613 (cited by Labcorp Genetics (formerly Invitae), Labcorp); PubMed 19250381 (cited by Labcorp Genetics (formerly Invitae), Labcorp); PubMed 22575033 (cited by Labcorp Genetics (formerly Invitae), Labcorp).